The following is an entry in ClinVar:

NM_019098.5(CNGB3):c.1482del (p.Asp494fs)

Gene: CNGB3 (cyclic nucleotide gated channel subunit beta 3; minus strand). Cytogenetic location: 8q21.3.
Variant type: Deletion.
Coding change: c.1482del on transcript NM_019098.5 (MANE Select); coding-DNA position 1482, one base deleted (T; older notation c.1482delT).
Protein change: p.Asp494fs; shifts the reading frame from aspartic acid 494.
Molecular consequence: frameshift variant.
Genome position (GRCh38, 1-based): chr8:86,626,079, A deleted on the plus strand (T on the coding strand, the reverse complement: CNGB3 is on the minus strand). VCF-style (leftmost placement, unchanged base first): chr8-86626078-CA-C. GRCh37 (hg19) VCF-style: chr8-87638306-CA-C.
Other names: short protein forms D494fs.
Identifiers: ClinVar variation 2878365 (VCV002878365.3), dbSNP rs1487028109, ClinGen allele CA582912761.

ClinVar aggregate classification (germline): Pathogenic (1 of 4 stars; one submission).

Allele frequency attached by ClinVar (database versions not stated): gnomAD exomes below 0.00001; TOPMed below 0.00001.

Submission:

Labcorp Genetics (formerly Invitae), Labcorp
Classification: Pathogenic. Last evaluated: 2023-05-16. Review status: criteria provided, single submitter. Criteria: Invitae Variant Classification Sherloc (09022015). Collection method: clinical testing. Allele origin: germline.
Comment: For these reasons, this variant has been classified as Pathogenic. This variant has not been reported in the literature in individuals affected with CNGB3-related conditions. This variant is present in population databases (no rsID available, gnomAD 0.0009%). This sequence change creates a premature translational stop signal (p.Asp494Glufs*15) in the CNGB3 gene. It is expected to result in an absent or disrupted protein product. Loss-of-function variants in CNGB3 are known to be pathogenic (PMID: 28795510).

Literature cited by the submitters: PubMed 28795510.